The following is an entry in ClinVar:

NM_000540.3(RYR1):c.1163C>T (p.Ser388Leu)

Gene: RYR1 (ryanodine receptor 1; plus strand). Cytogenetic location: 19q13.2.
Variant type: single nucleotide variant.
Coding change: c.1163C>T on transcript NM_000540.3 (MANE Select); coding-DNA position 1163, C replaced by T.
Protein change: p.Ser388Leu; replaces serine 388 with leucine.
Molecular consequence: missense variant.
Genome position (GRCh38, 1-based): chr19:38,451,804, C>T. VCF-style: chr19-38451804-C-T. GRCh37 (hg19) VCF-style: chr19-38942444-C-T.
Other names: c.1163C>T, p.Ser388Leu (NM_001042723.2); short protein forms S388L.
Identifiers: ClinVar variation 579011 (VCV000579011.11), dbSNP rs777892571, ClinGen allele CA057391.

ClinVar aggregate classification (germline): Uncertain significance. Review status: criteria provided, multiple submitters, no conflicts (2 of 4 stars). 4 submissions from 4 submitters: Uncertain significance (4). Last evaluated 2026-01-02.

Conditions:
RYR1-related disorder. Also called: RYR1-related condition; RYR1-related disorders. Identifiers: MedGen CN239331.
Malignant hyperthermia, susceptibility to, 1 (MHS1). Also called: Malignant hyperthermia suceptibility 1; Anesthesia related hyperthermia; Malignant hyperpyrexia; Fulminating hyperpyrexia; Pharmacogenic myopathy; RYR1-Related Malignant Hyperthermia Susceptibility. Identifiers: Orphanet 423, MedGen C2930980, MONDO:0007783, OMIM 145600.

Allele frequency attached by ClinVar (database versions not stated): gnomAD 0.00001 and 0.00002; TOPMed 0.00003.
gnomAD v4.1: 43 of 1,614,010 alleles (0.0027%); highest among the groups gnomAD compares: Middle Eastern, 0.049%; no homozygotes.

Submissions (4):

Labcorp Genetics (formerly Invitae), Labcorp
Classification: Uncertain significance for RYR1-related disorder. Last evaluated: 2026-01-02. Review status: criteria provided, single submitter. Criteria: Invitae Variant Classification Sherloc (09022015). Collection method: clinical testing. Allele origin: germline.
Comment: This sequence change replaces serine, which is neutral and polar, with leucine, which is neutral and non-polar, at codon 388 of the RYR1 protein (p.Ser388Leu). This variant is present in population databases (rs777892571, gnomAD 0.005%). This missense change has been observed in individual(s) with exercise intolerance and mild myopathy (PMID: 31517061). ClinVar contains an entry for this variant (Variation ID: 579011). Invitae Evidence Modeling of protein sequence and biophysical properties (such as structural, functional, and spatial information, amino acid conservation, physicochemical variation, residue mobility, and thermodynamic stability) indicates that this missense variant is not expected to disrupt RYR1 protein function with a negative predictive value of 95%. In summary, the available evidence is currently insufficient to determine the role of this variant in disease. Therefore, it has been classified as a Variant of Uncertain Significance.

Color Diagnostics, LLC DBA Color Health
Classification: Uncertain significance for Malignant hyperthermia, susceptibility to, 1. Last evaluated: 2025-06-09. Review status: criteria provided, single submitter. Criteria: ACMG Guidelines, 2015. Collection method: clinical testing. Allele origin: germline.
Comment: This missense variant replaces serine with leucine at codon 388 of the RYR1 protein. Computational prediction is inconclusive regarding the impact of this variant on protein structure and function. To our knowledge, functional studies have not been reported for this variant. This variant has not been reported in individuals affected with autosomal dominant malignant hyperthermia in the literature, although it has been reported in individuals affected with other conditions (ClinVar Variation ID: 579011). This variant has been identified in 6/251340 chromosomes in the general population by the Genome Aggregation Database (gnomAD). Due to insufficient evidence, this variant is classified as a Variant of Uncertain Significance for autosomal dominant malignant hyperthermia.

PreventionGenetics, part of Exact Sciences
Classification: Uncertain significance for RYR1-related condition. Last evaluated: 2025-05-14. Review status: criteria provided, single submitter. Criteria: ACMG Guidelines, 2015. Collection method: clinical testing. Allele origin: germline.
Comment: The RYR1 c.1163C>T variant is predicted to result in the amino acid substitution p.Ser388Leu. This variant was reported in an individual with exercise intolerance and mild myopathic signs on muscle biopsy (Rubegni et al. 2019. PubMed ID: 31517061). This variant is reported in 0.0053% of alleles in individuals of European (non-Finnish) descent in gnomAD. At this time, the clinical significance of this variant is uncertain due to the absence of conclusive functional and genetic evidence.

Blueprint Genetics
Classification: Uncertain significance. Last evaluated: 2024-10-17. Review status: criteria provided, single submitter. Criteria: ACMG Guidelines, 2015. Collection method: clinical testing. Allele origin: germline.

Literature cited by the submitters: PubMed 31517061 (cited by Labcorp Genetics (formerly Invitae), Labcorp).